The following is an entry in ClinVar:

NM_012424.6(RPS6KC1):c.2703C>G (p.Ile901Met)

Gene: RPS6KC1 (ribosomal protein S6 kinase C1; plus strand). Cytogenetic location: 1q32.3.
Variant type: single nucleotide variant.
Coding change: c.2703C>G on transcript NM_012424.6 (MANE Select); coding-DNA position 2703, C replaced by G.
Protein change: p.Ile901Met; replaces isoleucine 901 with methionine.
Molecular consequence: missense variant. On other transcripts: non-coding transcript variant (4).
Genome position (GRCh38, 1-based): chr1:213,242,179, C>G. VCF-style: chr1-213242179-C-G. GRCh37 (hg19) VCF-style: chr1-213415522-C-G.
Other names: c.2667C>G, p.Ile889Met (NM_001136138.4); c.2067C>G, p.Ile689Met (NM_001287218.3, NM_001287219.3, NM_001349654.2); c.1308C>G, p.Ile436Met (NM_001287220.3, NM_001349671.2, NM_001349672.2 and 8 more transcripts); c.2160C>G, p.Ile720Met (NM_001287221.3, NM_001349648.2, NM_001349649.2 and 4 more transcripts); c.2610C>G, p.Ile870Met (NM_001349646.2); c.2340C>G, p.Ile780Met (NM_001349647.2); c.1812C>G, p.Ile604Met (NM_001349657.2, NM_001349658.2); c.1647C>G, p.Ile549Met (NM_001349659.2, NM_001349660.2, NM_001349661.2 and 1 more transcripts); and 1 more; short protein forms I549M, I604M, I780M, I870M, I436M, I901M, I689M, I720M.
Identifiers: ClinVar variation 2693742 (VCV002693742.4), dbSNP rs149870413, ClinGen allele CA1387662.

ClinVar aggregate classification (germline): Uncertain significance. Review status: criteria provided, multiple submitters, no conflicts (2 of 4 stars). 2 submissions from 2 submitters: Uncertain significance (2). Last evaluated 2024-12-17.

Allele frequency attached by ClinVar (database versions not stated): ExAC 0.00002; ESP Exome Variant Server 0.00008; gnomAD 0.00009.
gnomAD v4.1: 382 of 1,613,804 alleles (0.024%); highest among the groups gnomAD compares: Non-Finnish European, 0.03%; no homozygotes.

Submissions (2):

Ambry Genetics
Classification: Uncertain significance. Last evaluated: 2024-12-17. Review status: criteria provided, single submitter. Criteria: Ambry Variant Classification Scheme 2023. Collection method: clinical testing. Allele origin: germline.

Labcorp Genetics (formerly Invitae), Labcorp
Classification: Uncertain significance. Last evaluated: 2024-04-22. Review status: criteria provided, single submitter. Criteria: Invitae Variant Classification Sherloc (09022015). Collection method: clinical testing. Allele origin: germline.
Comment: This sequence change replaces isoleucine, which is neutral and non-polar, with methionine, which is neutral and non-polar, at codon 901 of the RPS6KC1 protein (p.Ile901Met). This variant is present in population databases (rs149870413, gnomAD 0.02%). This variant has not been reported in the literature in individuals affected with RPS6KC1-related conditions. An algorithm developed to predict the effect of missense changes on protein structure and function (PolyPhen-2) suggests that this variant is likely to be disruptive. In summary, the available evidence is currently insufficient to determine the role of this variant in disease. Therefore, it has been classified as a Variant of Uncertain Significance.